The following is an entry in ClinVar:

ClinVar aggregate classification (germline): Uncertain significance (1 of 4 stars; one submission).

Conditions:
Hereditary cancer-predisposing syndrome. Also called: Tumor predisposition; Neoplastic Syndromes, Hereditary; Hereditary neoplastic syndrome; Hereditary Cancer Syndrome. Identifiers: Orphanet 140162, MedGen C0027672, MeSH D009386, MONDO:0015356.

Submission:

Ambry Genetics
Classification: Uncertain significance for Hereditary cancer-predisposing syndrome. Last evaluated: 2024-08-28. Review status: criteria provided, single submitter. Criteria: Ambry Variant Classification Scheme 2023. Collection method: clinical testing. Allele origin: germline.
Comment: The c.2142-1G>A intronic variant results from a G to A substitution one nucleotide upstream from coding exon 8 of the AXIN2 gene. Alterations that disrupt the canonical splice site are expected to cause aberrant splicing, resulting in an abnormal protein or transcript. This nucleotide position is highly conserved in available vertebrate species. In silico splice site analysis predicts that this alteration will weaken the native splice acceptor site and may result in the creation or strengthening of a novel splice acceptor site. Abolishment of the native acceptor splice site would result in an in-frame transcript with unknown functional impact; however, direct evidence is insufficient at this time (Ambry internal data). Since supporting evidence is limited, the clinical significance of this alteration remains unclear.

NM_004655.4(AXIN2):c.2142-1G>A

Gene: AXIN2 (axin 2; minus strand). Cytogenetic location: 17q24.1.
Variant type: single nucleotide variant.
Coding change: c.2142-1G>A on transcript NM_004655.4 (MANE Select); the canonical splice acceptor site of the intron before coding-DNA position 2142, G replaced by A.
Molecular consequence: splice acceptor variant.
Genome position (GRCh38, 1-based): chr17:65,535,722, C>T on the plus strand (G>A on the coding strand, the complement: AXIN2 is on the minus strand). VCF-style: chr17-65535722-C-T. GRCh37 (hg19) VCF-style: chr17-63531840-C-T.
Other names: c.1947-1G>A (NM_001363813.1).
Identifiers: ClinVar variation 3470254 (VCV003470254.1).
Genomic context (GRCh38, chr17:65,535,722, plus strand): 5'-GCTCCCGTCTGAACAGTGGCCGAATGATTCCTGTCCCTCTGCTGACTGGCCACACAGCAC[C>T]TGAGGACACAGCCAGGGCGAGGGATTTAGAGGTACACTGTTGTCCCCAGAGCAATTGAAA-3'